The following is an entry in ClinVar:

NM_001875.5(CPS1):c.4191G>A (p.Trp1397Ter)

Gene: CPS1 (carbamoyl-phosphate synthase 1; plus strand). Cytogenetic location: 2q34.
Variant type: single nucleotide variant.
Coding change: c.4191G>A on transcript NM_001875.5 (MANE Select); coding-DNA position 4191, G replaced by A.
Protein change: p.Trp1397Ter; replaces tryptophan 1397 with a stop codon.
Molecular consequence: nonsense. On other transcripts: non-coding transcript variant (2).
Genome position (GRCh38, 1-based): chr2:210,675,757, G>A. VCF-style: chr2-210675757-G-A. GRCh37 (hg19) VCF-style: chr2-211540481-G-A.
Other names: c.4191G>A, p.Trp1397Ter (NM_001122633.3, NM_001369257.1); c.4224G>A, p.Trp1408Ter (NM_001369256.1); short protein forms W1397*, W1408*.
Identifiers: ClinVar variation 1069282 (VCV001069282.8), dbSNP rs1172971002, ClinGen allele CA350440683.

ClinVar aggregate classification (germline): Pathogenic/Likely pathogenic. Review status: criteria provided, multiple submitters, no conflicts (2 of 4 stars). 2 submissions from 2 submitters: Pathogenic (1); Likely pathogenic (1). Last evaluated 2022-07-25.

Conditions:
Pulmonary hypertension, neonatal, susceptibility to (PHN). Identifiers: MedGen C3714958, MONDO:0014151, OMIM 615371.
Congenital hyperammonemia, type I. Also called: Carbamoyl phosphate synthetase I deficiency disease; Carbamoyl phosphate synthetase 1 deficiency; Hyperammonemia due to carbamoyl phosphate synthetase 1 deficiency; CPS 1 deficiency; Carbamyl phosphate synthetase (CPS) deficiency; CPS I DEFICIENCY. Identifiers: Orphanet 147, MedGen C4082171, MONDO:0009376, OMIM 237300.

Allele frequency attached by ClinVar (database versions not stated): TOPMed 0.00001.

Submissions (2):

Baylor Genetics
Classification: Likely pathogenic for Pulmonary hypertension, neonatal, susceptibility to. Last evaluated: 2022-07-25. Review status: criteria provided, single submitter. Criteria: ACMG Guidelines, 2015. Collection method: clinical testing. Allele origin: unknown.

Labcorp Genetics (formerly Invitae), Labcorp
Classification: Pathogenic for Congenital hyperammonemia, type I. Last evaluated: 2021-12-07. Review status: criteria provided, single submitter. Criteria: Invitae Variant Classification Sherloc (09022015). Collection method: clinical testing. Allele origin: germline.
Comment: For these reasons, this variant has been classified as Pathogenic. ClinVar contains an entry for this variant (Variation ID: 1069282). This variant has not been reported in the literature in individuals affected with CPS1-related conditions. This variant is not present in population databases (gnomAD no frequency). This sequence change creates a premature translational stop signal (p.Trp1397*) in the CPS1 gene. It is expected to result in an absent or disrupted protein product. Loss-of-function variants in CPS1 are known to be pathogenic (PMID: 21120950).

Literature cited by the submitters: PubMed 21120950 (cited by Labcorp Genetics (formerly Invitae), Labcorp).